The following is an entry in ClinVar:

NM_000834.5(GRIN2B):c.3476G>C (p.Ser1159Thr)

Gene: GRIN2B (glutamate ionotropic receptor NMDA type subunit 2B; minus strand). Cytogenetic location: 12p13.1.
Variant type: single nucleotide variant.
Coding change: c.3476G>C on transcript NM_000834.5 (MANE Select); coding-DNA position 3476, G replaced by C.
Protein change: p.Ser1159Thr; replaces serine 1159 with threonine.
Molecular consequence: missense variant.
Genome position (GRCh38, 1-based): chr12:13,563,762, C>G on the plus strand (G>C on the coding strand, the complement: GRIN2B is on the minus strand). VCF-style: chr12-13563762-C-G. GRCh37 (hg19) VCF-style: chr12-13716696-C-G.
Other names: short protein forms S1159T.
Identifiers: ClinVar variation 1720598 (VCV001720598.6), dbSNP rs1220848394, ClinGen allele CA383989102.

ClinVar aggregate classification (germline): Uncertain significance (1 of 4 stars; one submission).

Conditions:
Intellectual developmental disorder, autosomal dominant 6, with or without seizures. Also called: GRIN2B-related developmental delay, intellectual disability and autism spectrum disorder; Intellectual disability, autosomal dominant 6. Identifiers: Orphanet 589547, MedGen C3151411, MONDO:0013509, OMIM 613970.
Developmental and epileptic encephalopathy, 27 (DEE27). Also called: GRIN2B-Related Neurodevelopmental Disorder; Epileptic encephalopathy, early infantile, 27. Identifiers: Orphanet 3451, MedGen C4015316, MONDO:0014505, OMIM 616139.

Allele frequency attached by ClinVar (database versions not stated): gnomAD exomes below 0.00001.
gnomAD v4.1: 2 of 1,614,076 alleles (0.00012%); highest among the groups gnomAD compares: Non-Finnish European, 0.00017%; no homozygotes.

Submission:

Labcorp Genetics (formerly Invitae), Labcorp
Classification: Uncertain significance for Developmental and epileptic encephalopathy, 27; Intellectual developmental disorder, autosomal dominant 6, with or without seizures. Last evaluated: 2022-09-28. Review status: criteria provided, single submitter. Criteria: Invitae Variant Classification Sherloc (09022015). Collection method: clinical testing. Allele origin: germline.
Comment: This variant has not been reported in the literature in individuals affected with GRIN2B-related conditions. Advanced modeling of protein sequence and biophysical properties (such as structural, functional, and spatial information, amino acid conservation, physicochemical variation, residue mobility, and thermodynamic stability) performed at Invitae indicates that this missense variant is not expected to disrupt GRIN2B protein function. In summary, the available evidence is currently insufficient to determine the role of this variant in disease. Therefore, it has been classified as a Variant of Uncertain Significance. This variant is not present in population databases (gnomAD no frequency). This sequence change replaces serine, which is neutral and polar, with threonine, which is neutral and polar, at codon 1159 of the GRIN2B protein (p.Ser1159Thr).